The following is an entry in ClinVar:

NM_138773.4(SLC25A46):c.13C>A (p.Arg5Ser)

Gene: SLC25A46 (solute carrier family 25 member 46; plus strand). Cytogenetic location: 5q22.1.
Variant type: single nucleotide variant.
Coding change: c.13C>A on transcript NM_138773.4 (MANE Select); coding-DNA position 13, C replaced by A.
Protein change: p.Arg5Ser; replaces arginine 5 with serine.
Molecular consequence: missense variant. On other transcripts: non-coding transcript variant (1), intron variant (1).
Genome position (GRCh38, 1-based): chr5:110,739,132, C>A. VCF-style: chr5-110739132-C-A. GRCh37 (hg19) VCF-style: chr5-110074833-C-A.
Other names: c.13C>A, p.Arg5Ser (NM_001303249.3); c.10+885C>A (NM_001303250.3); short protein forms R5S.
Identifiers: ClinVar variation 1062905 (VCV001062905.8), dbSNP rs778529430, ClinGen allele CA3364458.
Genomic context (GRCh38, chr5:110,739,132, plus strand): 5'-GGTGGTGGTGGGCTCCGGGCGGGCTCGCGTCATCCTGCCCCCGCTGCGATGCATCCGCGG[C>A]GCCCGGACGGATTTGATGGCTTGGGCTACCGGGGTGGTGCCCGGGACGAGCAGGGCTTTG-3'
Protein context (NP_620128.1, residues 1-15): MHPR[Arg5Ser]PDGFDGLGYR

ClinVar aggregate classification (germline): Uncertain significance (1 of 4 stars; one submission).

Conditions:
Neuropathy, hereditary motor and sensory, type 6B (HMSN6B). Also called: Neuropathy, hereditary motor and sensory, type VIB; NEUROPATHY, HEREDITARY MOTOR AND SENSORY, TYPE VIB, WITH OPTIC ATROPHY; HMSN VIB; CHARCOT-MARIE-TOOTH DISEASE, TYPE 6B. Identifiers: MedGen C4225302, MONDO:0014671, OMIM 616505.

Allele frequency attached by ClinVar (database versions not stated): TOPMed below 0.00001; gnomAD 0.00001; ExAC 0.00007.
gnomAD v4.1: 3 of 1,547,776 alleles (0.00019%); highest among the groups gnomAD compares: Non-Finnish European, 0.00026%; no homozygotes.

Submission:

Labcorp Genetics (formerly Invitae), Labcorp
Classification: Uncertain significance for Neuropathy, hereditary motor and sensory, type 6B. Last evaluated: 2022-01-21. Review status: criteria provided, single submitter. Criteria: Invitae Variant Classification Sherloc (09022015). Collection method: clinical testing. Allele origin: germline.
Comment: Algorithms developed to predict the effect of missense changes on protein structure and function are either unavailable or do not agree on the potential impact of this missense change (SIFT: "Tolerated"; PolyPhen-2: "Probably Damaging"; Align-GVGD: "Class C0"). This sequence change replaces arginine, which is basic and polar, with serine, which is neutral and polar, at codon 5 of the SLC25A46 protein (p.Arg5Ser). This variant is present in population databases (rs778529430, gnomAD 0.002%). This variant has not been reported in the literature in individuals affected with SLC25A46-related conditions. ClinVar contains an entry for this variant (Variation ID: 1062905). In summary, the available evidence is currently insufficient to determine the role of this variant in disease. Therefore, it has been classified as a Variant of Uncertain Significance.